The following is an entry in ClinVar:

NM_000138.5(FBN1):c.4252G>A (p.Gly1418Ser)

Genes: FBN1 (fibrillin 1; minus strand), LOC126862124 (CDK7 strongly-dependent group 2 enhancer GRCh37_chr15:48764566-48765765; plus strand). Cytogenetic location: 15q21.1.
Variant type: single nucleotide variant.
Coding change: c.4252G>A on transcript NM_000138.5 (MANE Select); coding-DNA position 4252, G replaced by A.
Protein change: p.Gly1418Ser; replaces glycine 1418 with serine.
Molecular consequence: missense variant.
Genome position (GRCh38, 1-based): chr15:48,472,635, C>T on the plus strand (G>A on the coding strand, the complement: FBN1 is on the minus strand). VCF-style: chr15-48472635-C-T. GRCh37 (hg19) VCF-style: chr15-48764832-C-T.
Other names: c.4252G>A, p.Gly1418Ser (NM_001406716.1); short protein forms G1418S.
Identifiers: ClinVar variation 3754074 (VCV003754074.2).

ClinVar aggregate classification (germline): Uncertain significance (1 of 4 stars; one submission).

Conditions:
Marfan syndrome (MFS). Also called: MARFAN SYNDROME, TYPE I; Marfan syndrome type 1; Marfan's syndrome; Marfan syndrome, classic; FBN1-Related Marfan Syndrome. Identifiers: Orphanet 284963, Orphanet 558, MedGen C0024796, MONDO:0007947, OMIM 154700.
Familial thoracic aortic aneurysm and aortic dissection (TAAD). Also called: Thoracic aortic aneurysms and dissections. Identifiers: Orphanet 91387, MedGen C4707243, MONDO:0019625.

Submission:

Labcorp Genetics (formerly Invitae), Labcorp
Classification: Uncertain significance for Marfan syndrome; Familial thoracic aortic aneurysm and aortic dissection. Last evaluated: 2024-09-29. Review status: criteria provided, single submitter. Criteria: Invitae Variant Classification Sherloc (09022015). Collection method: clinical testing. Allele origin: germline.
Comment: This sequence change replaces glycine, which is neutral and non-polar, with serine, which is neutral and polar, at codon 1418 of the FBN1 protein (p.Gly1418Ser). This variant is not present in population databases (gnomAD no frequency). This variant has not been reported in the literature in individuals affected with FBN1-related conditions. Invitae Evidence Modeling of protein sequence and biophysical properties (such as structural, functional, and spatial information, amino acid conservation, physicochemical variation, residue mobility, and thermodynamic stability) indicates that this missense variant is expected to disrupt FBN1 protein function with a positive predictive value of 95%. In summary, the available evidence is currently insufficient to determine the role of this variant in disease. Therefore, it has been classified as a Variant of Uncertain Significance.